The following is an entry in ClinVar:

ClinVar aggregate classification (germline): Benign. Review status: criteria provided, multiple submitters, no conflicts (2 of 4 stars). 8 submissions from 8 submitters: Benign (7). 1 of the submissions does not count toward it. Last evaluated 2026-02-04.

Conditions:
RFT1-related disorder. Also called: RFT1-related condition.
RFT1-congenital disorder of glycosylation (CDG1N). Also called: Congenital disorder of glycosylation type In; CDG In; RFT1-CDG. Identifiers: Orphanet 244310, MedGen C2677590, MONDO:0012783, OMIM 612015.

Allele frequency attached by ClinVar (database versions not stated): ESP Exome Variant Server 0.45525; gnomAD 0.47740 and 0.48303; TOPMed 0.47988; 1000 Genomes Project 30x 0.48017; 1000 Genomes Project 0.49042; ExAC 0.55103; gnomAD exomes 0.55874 and 0.56266.
gnomAD v4.1: 890,009 of 1,613,596 alleles (55%); highest among the groups gnomAD compares: East Asian, 76%; 251,476 homozygotes.

Submissions (8):

Labcorp Genetics (formerly Invitae), Labcorp
Classification: Benign for RFT1-congenital disorder of glycosylation. Last evaluated: 2026-02-04. Review status: criteria provided, single submitter. Criteria: Invitae Variant Classification Sherloc (09022015). Collection method: clinical testing. Allele origin: germline.

Genome-Nilou Lab
Classification: Benign for RFT1-congenital disorder of glycosylation. Last evaluated: 2021-11-07. Review status: criteria provided, single submitter. Criteria: ACMG Guidelines, 2015. Collection method: clinical testing. Allele origin: germline. Affected: no.

Mayo Clinic Laboratories, Mayo Clinic
Classification: Benign. Last evaluated: 2018-09-25. Review status: criteria provided, single submitter. Criteria: ACMG Guidelines, 2015. Collection method: clinical testing. Allele origin: germline. Observed: 28 variant alleles.

Illumina Laboratory Services, Illumina
Classification: Benign for RFT1-congenital disorder of glycosylation. Last evaluated: 2018-01-13. Review status: criteria provided, single submitter. Criteria: ICSL Variant Classification Criteria 13 December 2019. Collection method: clinical testing. Allele origin: germline.
Comment: This variant was observed in the ICSL laboratory as part of a predisposition screen in an ostensibly healthy population. It had not been previously curated by ICSL or reported in the Human Gene Mutation Database (HGMD: prior to June 1st, 2018), and was therefore a candidate for classification through an automated scoring system. Utilizing variant allele frequency, disease prevalence and penetrance estimates, and inheritance mode, an automated score was calculated to assess if this variant is too frequent to cause the disease. Based on the score and internal cut-off values, a variant classified as benign is not then subjected to further curation. The score for this variant resulted in a classification of benign for this disease.

GeneDx
Classification: Benign. Last evaluated: 2015-12-02. Review status: criteria provided, single submitter. Criteria: GeneDx Variant Classification (06012015). Collection method: clinical testing. Allele origin: germline. Affected: yes.
Comment: This variant is considered likely benign or benign based on one or more of the following criteria: it is a conservative change, it occurs at a poorly conserved position in the protein, it is predicted to be benign by multiple in silico algorithms, and/or has population frequency not consistent with disease.

Eurofins Ntd Llc (ga)
Classification: Benign. Last evaluated: 2013-11-15. Review status: criteria provided, single submitter. Criteria: EGL Classification Definitions 2015. Collection method: clinical testing. Allele origin: germline. Observed: 35 variant alleles, 29 heterozygotes, 6 homozygotes.

Breakthrough Genomics
Classification: Benign. Review status: criteria provided, single submitter. Criteria: ACMG Guidelines, 2015. Collection method: not provided. Allele origin: germline. Inheritance: Autosomal recessive inheritance. Affected: yes.

PreventionGenetics, part of Exact Sciences
Classification: Benign for RFT1-related condition. Last evaluated: 2020-03-18. Review status: no assertion criteria provided. Collection method: clinical testing. Allele origin: germline. Not counted in ClinVar's aggregate classification.
Comment: This variant is classified as benign based on ACMG/AMP sequence variant interpretation guidelines (Richards et al. 2015 PMID: 25741868, with internal and published modifications).

NM_052859.4(RFT1):c.1623A>G (p.Thr541=)

Gene: RFT1 (RFT1 glycolipid translocator homolog; minus strand). Cytogenetic location: 3p21.1.
Variant type: single nucleotide variant.
Coding change: c.1623A>G on transcript NM_052859.4 (MANE Select); coding-DNA position 1623, A replaced by G.
Protein change: p.Thr541=; no amino-acid change (threonine 541 retained).
Molecular consequence: synonymous variant.
Genome position (GRCh38, 1-based): chr3:53,091,906, T>C on the plus strand (A>G on the coding strand, the complement: RFT1 is on the minus strand). VCF-style: chr3-53091906-T-C. GRCh37 (hg19) VCF-style: chr3-53125922-T-C.
Other names: p.Thr541=.
Identifiers: ClinVar variation 96246 (VCV000096246.22), dbSNP rs11242, ClinGen allele CA149388.
Genomic context (GRCh38, chr3:53,091,906, plus strand): 5'-CCCACAGAACTACCCATAGCTGGTCCAGGTGCCTCGGGTGTCCAGGCTTCCCTGAAGTCA[T>C]GTCATTTTGTCAGTGCGTCTGGGCACACCTAACTGAGTCCTGAGGAAATGGATCAGCTTG-3'
Protein context (NP_443091.1, residues 531-541): LGVPRRTDKM[Thr541=]